The following is an entry in ClinVar:

NM_004517.4(ILK):c.962A>G (p.Asn321Ser)

Genes: ILK (integrin linked kinase; plus strand), TAF10 (TATA-box binding protein associated factor 10; minus strand). Cytogenetic location: 11p15.4.
Variant type: single nucleotide variant.
Coding change: c.962A>G on transcript NM_004517.4 (MANE Select); coding-DNA position 962, A replaced by G.
Protein change: p.Asn321Ser; replaces asparagine 321 with serine.
Molecular consequence: missense variant. On other transcripts: 3 prime UTR variant (1).
Genome position (GRCh38, 1-based): chr11:6,609,829, A>G. VCF-style: chr11-6609829-A-G. GRCh37 (hg19) VCF-style: chr11-6631060-A-G.
Other names: c.962A>G, p.Asn321Ser (NM_001014794.3, NM_001014795.3); c.779A>G, p.Asn260Ser (NM_001278441.2); c.560A>G, p.Asn187Ser (NM_001278442.2); c.*1093T>C (NM_006284.4); short protein forms N321S, N187S, N260S.
Identifiers: ClinVar variation 180372 (VCV000180372.13), dbSNP rs570806647, ClinGen allele CA346361.
Genomic context (GRCh38, chr11:6,609,829, plus strand): 5'-TGGCAAGGGGCATGGCCTTCCTACACACACTAGAGCCCCTCATCCCACGACATGCACTCA[A>G]TAGCCGTAGTGTAATGGTGAGGCCACAAGCTCACTCCTGGCCCAGGCCCCAAAAGCCCTT-3'
Protein context (NP_004508.1, residues 311-331): LEPLIPRHAL[Asn321Ser]SRSVMIDEDM

ClinVar aggregate classification (germline): Conflicting classifications of pathogenicity. Review status: criteria provided, conflicting classifications (1 of 4 stars). 3 submissions from 3 submitters: Uncertain significance (2); Likely benign (1). Last evaluated 2026-01-25.

Conditions:
Primary familial hypertrophic cardiomyopathy (HCM). Identifiers: Orphanet 99739, MedGen C0949658, MeSH D024741, MONDO:0024573. Inheritance: Various modes of inheritance.

Allele frequency attached by ClinVar (database versions not stated): gnomAD exomes 0.00009 and 0.00006; TOPMed 0.00010; 1000 Genomes Project 30x 0.00016; 1000 Genomes Project 0.00020; ExAC 0.00008; gnomAD 0.00009.
gnomAD v4.1: 105 of 1,614,184 alleles (0.0065%); highest among the groups gnomAD compares: Middle Eastern, 0.33%; no homozygotes.

Submissions (3):

Labcorp Genetics (formerly Invitae), Labcorp
Classification: Uncertain significance for Primary familial hypertrophic cardiomyopathy. Last evaluated: 2026-01-25. Review status: criteria provided, single submitter. Criteria: Invitae Variant Classification Sherloc (09022015). Collection method: clinical testing. Allele origin: germline.
Comment: This sequence change replaces asparagine, which is neutral and polar, with serine, which is neutral and polar, at codon 321 of the ILK protein (p.Asn321Ser). This variant is present in population databases (rs570806647, gnomAD 0.03%), and has an allele count higher than expected for a pathogenic variant. This variant has not been reported in the literature in individuals affected with ILK-related conditions. ClinVar contains an entry for this variant (Variation ID: 180372). An algorithm developed to predict the effect of missense changes on protein structure and function (PolyPhen-2) suggests that this variant is likely to be tolerated. In summary, the available evidence is currently insufficient to determine the role of this variant in disease. Therefore, it has been classified as a Variant of Uncertain Significance.

Blueprint Genetics
Classification: Likely benign. Last evaluated: 2024-11-25. Review status: criteria provided, single submitter. Criteria: ACMG Guidelines, 2015. Collection method: clinical testing. Allele origin: germline.

Ambry Genetics
Classification: Uncertain significance. Last evaluated: 2021-07-18. Review status: criteria provided, single submitter. Criteria: Ambry Variant Classification Scheme 2023. Collection method: clinical testing. Allele origin: germline.
Comment: The p.N321S variant (also known as c.962A>G), located in coding exon 9 of the ILK gene, results from an A to G substitution at nucleotide position 962. The asparagine at codon 321 is replaced by serine, an amino acid with highly similar properties. This amino acid position is conserved. In addition, the in silico prediction for this alteration is inconclusive. Since supporting evidence is limited at this time, the clinical significance of this alteration remains unclear.